The following is an entry in ClinVar:

ClinVar aggregate classification (germline): Likely benign (1 of 4 stars; one submission).

Conditions:
Rhizomelic chondrodysplasia punctata type 3 (RCDP3). Also called: ALKYLDIHYDROXYACETONEPHOSPHATE SYNTHASE DEFICIENCY; Alkylglycerone Phosphate Synthase (AGPS) deficiency. Identifiers: Orphanet 177, Orphanet 309803, MedGen C1838612, MONDO:0010823, OMIM 600121. Disease mechanism: loss of function.

Allele frequency attached by ClinVar (database versions not stated): 1000 Genomes Project 0.00359; 1000 Genomes Project 30x 0.00453; TOPMed 0.00944; gnomAD 0.00961 and 0.00996.

Submission:

Illumina Laboratory Services, Illumina
Classification: Likely benign for Rhizomelic chondrodysplasia punctata type 3. Last evaluated: 2018-01-13. Review status: criteria provided, single submitter. Criteria: ICSL Variant Classification Criteria 13 December 2019. Collection method: clinical testing. Allele origin: germline.
Comment: This variant was observed in the ICSL laboratory as part of a predisposition screen in an ostensibly healthy population. It had not been previously curated by ICSL or reported in the Human Gene Mutation Database (HGMD: prior to June 1st, 2018), and was therefore a candidate for classification through an automated scoring system. Utilizing variant allele frequency, disease prevalence and penetrance estimates, and inheritance mode, an automated score was calculated to assess if this variant is too frequent to cause the disease. Based on the score and internal cut-off values, a variant classified as likely benign is not then subjected to further curation. The score for this variant resulted in a classification of likely benign for this disease.

NM_003659.4(AGPS):c.*1701T>C

Gene: AGPS (alkylglycerone phosphate synthase; plus strand). Cytogenetic location: 2q31.2.
Variant type: single nucleotide variant.
Coding change: c.*1701T>C on transcript NM_003659.4 (MANE Select); 1701 bases downstream of the stop codon, T replaced by C.
Molecular consequence: 3 prime UTR variant.
Genome position (GRCh38, 1-based): chr2:177,539,896, T>C. VCF-style: chr2-177539896-T-C. GRCh37 (hg19) VCF-style: chr2-178404624-T-C.
Identifiers: ClinVar variation 332546 (VCV000332546.5), dbSNP rs189318576, ClinGen allele CA10611476.